The following is an entry in ClinVar:

NM_000059.4(BRCA2):c.4876A>G (p.Asn1626Asp)

Gene: BRCA2 (BRCA2 DNA repair associated; plus strand). Cytogenetic location: 13q13.1.
Variant type: single nucleotide variant.
Coding change: c.4876A>G on transcript NM_000059.4 (MANE Select); coding-DNA position 4876, A replaced by G.
Protein change: p.Asn1626Asp; replaces asparagine 1626 with aspartic acid.
Molecular consequence: missense variant. On other transcripts: non-coding transcript variant (1), intron variant (2).
Genome position (GRCh38, 1-based): chr13:32,339,231, A>G. VCF-style: chr13-32339231-A-G. GRCh37 (hg19) VCF-style: chr13-32913368-A-G.
Other names: c.4876A>G, p.Asn1626Asp (NM_001406719.1, NM_001406720.1, NM_001432077.1); c.1910-5327A>G (NM_001406721.1); c.425-5327A>G (NM_001406722.1); short protein forms N1626D.
Identifiers: ClinVar variation 4758224 (VCV004758224.1).
Genomic context (GRCh38, chr13:32,339,231, plus strand): 5'-TCTATTGAGACTGTGGTGCCACCTAAGCTCTTAAGTGATAATTTATGTAGACAAACTGAA[A>G]ATCTCAAAACATCAAAAAGTATCTTTTTGAAAGTTAAAGTACATGAAAATGTAGAAAAAG-3'
Protein context (NP_000050.3, residues 1616-1636): LSDNLCRQTE[Asn1626Asp]LKTSKSIFLK

ClinVar aggregate classification (germline): Uncertain significance (1 of 4 stars; one submission).

Conditions:
Hereditary cancer-predisposing syndrome. Also called: Tumor predisposition; Hereditary Cancer Syndrome; Neoplastic Syndromes, Hereditary; Hereditary neoplastic syndrome. Identifiers: Orphanet 140162, MedGen C0027672, MeSH D009386, MONDO:0015356.

Submission:

Color Diagnostics, LLC DBA Color Health
Classification: Uncertain significance for Hereditary cancer-predisposing syndrome. Last evaluated: 2025-11-03. Review status: criteria provided, single submitter. Criteria: ACMG Guidelines, 2015. Collection method: clinical testing. Allele origin: germline.
Comment: This missense variant replaces asparagine with aspartic acid at codon 1626 of the BRCA2 protein. Computational prediction suggests that this variant may not impact protein structure and function. To our knowledge, functional studies have not been reported for this variant. This variant has not been reported in individuals affected with BRCA2-related disorders in the literature. This variant has not been identified in the general population by the Genome Aggregation Database (gnomAD). The available evidence is insufficient to determine the role of this variant in disease conclusively. Therefore, this variant is classified as a Variant of Uncertain Significance.